The following is an entry in ClinVar:

ClinVar aggregate classification (germline): Conflicting classifications of pathogenicity. Review status: criteria provided, conflicting classifications (1 of 4 stars). 2 submissions from 2 submitters: Uncertain significance (1); Likely benign (1). Last evaluated 2025-06-17.

Conditions:
Idiopathic Pulmonary Fibrosis. Also called: Idiopathic fibrosing alveolitis, chronic form; idiopathic fibrosing alveolitis. Identifiers: Orphanet 2032, MedGen C1800706, MeSH D054990, MONDO:0800504.
Dyskeratosis congenita, autosomal dominant 2. Identifiers: MedGen C3151443, MONDO:0013521, OMIM 613989.
Dyskeratosis congenita. Identifiers: Orphanet 1775, MedGen C0265965, MONDO:0015780.

Submissions (2):

Ambry Genetics
Classification: Likely benign for Dyskeratosis congenita. Last evaluated: 2025-06-17. Review status: criteria provided, single submitter. Criteria: Ambry Variant Classification Scheme 2023. Collection method: clinical testing. Allele origin: germline.

Labcorp Genetics (formerly Invitae), Labcorp
Classification: Uncertain significance for Dyskeratosis congenita, autosomal dominant 2; Idiopathic Pulmonary Fibrosis. Last evaluated: 2022-02-23. Review status: criteria provided, single submitter. Criteria: Invitae Variant Classification Sherloc (09022015). Collection method: clinical testing. Allele origin: germline.
Comment: In summary, the available evidence is currently insufficient to determine the role of this variant in disease. Therefore, it has been classified as a Variant of Uncertain Significance. Advanced modeling of protein sequence and biophysical properties (such as structural, functional, and spatial information, amino acid conservation, physicochemical variation, residue mobility, and thermodynamic stability) performed at Invitae indicates that this missense variant is not expected to disrupt TERT protein function. This variant has not been reported in the literature in individuals affected with TERT-related conditions. This variant is not present in population databases (gnomAD no frequency). This sequence change replaces threonine, which is neutral and polar, with alanine, which is neutral and non-polar, at codon 692 of the TERT protein (p.Thr692Ala).

NM_198253.3(TERT):c.2074A>G (p.Thr692Ala)

Gene: TERT (telomerase reverse transcriptase; minus strand). Cytogenetic location: 5p15.33.
Variant type: single nucleotide variant.
Coding change: c.2074A>G on transcript NM_198253.3 (MANE Select); coding-DNA position 2074, A replaced by G.
Protein change: p.Thr692Ala; replaces threonine 692 with alanine.
Molecular consequence: missense variant. On other transcripts: non-coding transcript variant (2).
Genome position (GRCh38, 1-based): chr5:1,279,347, T>C on the plus strand (A>G on the coding strand, the complement: TERT is on the minus strand). VCF-style: chr5-1279347-T-C. GRCh37 (hg19) VCF-style: chr5-1279462-T-C.
Other names: c.2074A>G, p.Thr692Ala (NM_001193376.3, NM_003219.1); short protein forms T692A.
Identifiers: ClinVar variation 1945648 (VCV001945648.6), dbSNP rs2478275359, ClinGen allele CA359080218.
Genomic context (GRCh38, chr5:1,279,347, plus strand): 5'-CCACCTTGACAAAGTACAGCTCAGGCGGCGGGTCCTGGGCCCGCACACGCAGCACGAAGG[T>C]GCGCCAGGCCCTGTGGATATCGTCCAGGCCCAGCACAGAGGCGCCCAGGAGGCCGGGGCG-3'
Protein context (NP_937983.2, residues 682-702): GLDDIHRAWR[Thr692Ala]FVLRVRAQDP